The following is an entry in ClinVar:

NM_001379270.1(CNGA1):c.311A>G (p.Lys104Arg)

Genes: CNGA1 (cyclic nucleotide gated channel subunit alpha 1; minus strand), LOC101927157 (uncharacterized LOC101927157; plus strand). Cytogenetic location: 4p12.
Variant type: single nucleotide variant.
Coding change: c.311A>G on transcript NM_001379270.1 (MANE Select); coding-DNA position 311, A replaced by G.
Protein change: p.Lys104Arg; replaces lysine 104 with arginine.
Molecular consequence: missense variant.
Genome position (GRCh38, 1-based): chr4:47,943,389, T>C on the plus strand (A>G on the coding strand, the complement: CNGA1 is on the minus strand). VCF-style: chr4-47943389-T-C. GRCh37 (hg19) VCF-style: chr4-47945406-T-C.
Other names: c.311A>G, p.Lys104Arg (NM_000087.5, NM_001142564.2); short protein forms K104R.
Identifiers: ClinVar variation 373564 (VCV000373564.1), dbSNP rs1057518486, ClinGen allele CA16042567.

ClinVar aggregate classification (germline): Uncertain significance (1 of 4 stars; one submission).

Allele frequency attached by ClinVar (database versions not stated): gnomAD exomes below 0.00001.
gnomAD v4.1: 2 of 1,508,332 alleles (0.00013%); highest among the groups gnomAD compares: Non-Finnish European, 0.00018%; no homozygotes.

Submission:

GeneDx
Classification: Uncertain significance. Last evaluated: 2016-12-09. Review status: criteria provided, single submitter. Criteria: GeneDx Variant Classification (06012015). Collection method: clinical testing. Allele origin: germline. Affected: yes.
Comment: The K108R variant in the CNGA1 gene has not been reported previously as a pathogenic variant, nor as a benign variant, to our knowledge. The K108R variant was not observed in approximately 3,000 individuals of European and African American ancestry in the NHLBI Exome Sequencing Project, indicating it is not a common benign variant in these populations. The K108R variant is a conservative amino acid substitution, which is not likely to impact secondary protein structure as these residues share similar properties. This substitution occurs at a position where amino acids with similar properties to Lysine are tolerated across species. In silico analysis is inconsistent in its predictions as to whether or not the variant is damaging to the protein structure/function. We interpret K108R as a variant of uncertain significance.